The following is an entry in ClinVar:

ClinVar aggregate classification (germline): Uncertain significance. Review status: criteria provided, multiple submitters, no conflicts (2 of 4 stars). 2 submissions from 2 submitters: Uncertain significance (2). Last evaluated 2026-02-03.

Conditions:
Progressive familial heart block type IB (PFHB1B). Identifiers: Orphanet 871, MedGen C1970298, MONDO:0011474, OMIM 604559.
Cardiovascular phenotype. Identifiers: MedGen CN230736.

Allele frequency attached by ClinVar (database versions not stated): gnomAD exomes 0.00001.
gnomAD v4.1: 12 of 1,613,824 alleles (0.00074%); highest among the groups gnomAD compares: African/African-American, 0.0013%; no homozygotes.

Submissions (3):

Ambry Genetics
Classification: Uncertain significance for Cardiovascular phenotype. Last evaluated: 2026-02-03. Review status: criteria provided, single submitter. Criteria: Ambry Variant Classification Scheme 2023. Collection method: clinical testing. Allele origin: germline.
Comment: The c.2953G>A variant (also known as p.V985M), located in coding exon 19 of the TRPM4 gene, results from a G to A substitution at nucleotide position 2953. The amino acid change results in valine to methionine at codon 985, an amino acid with highly similar properties. However, this change occurs in the last base pair of coding exon 19, which makes it likely to have some effect on normal mRNA splicing. This nucleotide position is highly conserved in available vertebrate species. This amino acid position is well conserved in available vertebrate species. In silico splice site analysis predicts that this alteration will weaken the native splice donor site. In addition, as a missense substitution this is predicted to be tolerated by in silico analysis. However, loss of function has not been established as a mechanism of disease. Based on the available evidence, the clinical significance of this variant remains unclear.

Labcorp Genetics (formerly Invitae), Labcorp
Classification: Uncertain significance for Progressive familial heart block type IB. Last evaluated: 2024-05-31. Review status: criteria provided, single submitter. Criteria: Invitae Variant Classification Sherloc (09022015). Collection method: clinical testing. Allele origin: germline.
Comment: This sequence change replaces valine, which is neutral and non-polar, with methionine, which is neutral and non-polar, at codon 985 of the TRPM4 protein (p.Val985Met). This variant also falls at the last nucleotide of exon 19, which is part of the consensus splice site for this exon. This variant is present in population databases (no rsID available, gnomAD 0.0009%). This variant has not been reported in the literature in individuals affected with TRPM4-related conditions. ClinVar contains an entry for this variant (Variation ID: 2198578). An algorithm developed to predict the effect of missense changes on protein structure and function (PolyPhen-2) suggests that this variant is likely to be tolerated. Variants that disrupt the consensus splice site are a relatively common cause of aberrant splicing (PMID: 17576681, 9536098). Algorithms developed to predict the effect of sequence changes on RNA splicing suggest that this variant may disrupt the consensus splice site. In summary, the available evidence is currently insufficient to determine the role of this variant in disease. Therefore, it has been classified as a Variant of Uncertain Significance.

Dr. Peter K. Rogan Lab, Western University
No classification provided (evidence only). Condition: Uveal melanoma. Review status: no classification provided. Collection method: in vitro. Allele origin: not applicable. Functional consequence: retained intron. Not counted in ClinVar's aggregate classification.

Literature cited by the submitters: PubMed 17576681 (cited by Labcorp Genetics (formerly Invitae), Labcorp); PubMed 9536098 (cited by Labcorp Genetics (formerly Invitae), Labcorp).

NM_017636.4(TRPM4):c.2953G>A (p.Val985Met)

Gene: TRPM4 (transient receptor potential cation channel subfamily M member 4; plus strand). Cytogenetic location: 19q13.33.
Variant type: single nucleotide variant.
Coding change: c.2953G>A on transcript NM_017636.4 (MANE Select); coding-DNA position 2953, G replaced by A.
Protein change: p.Val985Met; replaces valine 985 with methionine.
Molecular consequence: missense variant.
Genome position (GRCh38, 1-based): chr19:49,200,785, G>A. VCF-style: chr19-49200785-G-A. GRCh37 (hg19) VCF-style: chr19-49704042-G-A.
Other names: c.2953G>A (NM_017636.3); c.2518G>A, p.Val840Met (NM_001195227.2); c.2608G>A, p.Val870Met (NM_001321281.2); c.1345G>A, p.Val449Met (NM_001321282.2); c.2431G>A, p.Val811Met (NM_001321283.2); c.1891G>A, p.Val631Met (NM_001321285.2); short protein forms V631M, V811M, V449M, V840M, V870M, V985M.
Identifiers: ClinVar variation 2198578 (VCV002198578.6), dbSNP rs930812883, ClinGen allele CA309458572.